The following is an entry in ClinVar:

NM_003384.3(VRK1):c.362_365del (p.Lys121fs)

Gene: VRK1 (VRK serine/threonine kinase 1; plus strand). Cytogenetic location: 14q32.2.
Variant type: Deletion.
Coding change: c.362_365del on transcript NM_003384.3 (MANE Select); coding-DNA positions 362 to 365, 4 bases deleted (AAAA; older notation c.362_365delAAAA).
Protein change: p.Lys121fs; shifts the reading frame from lysine 121.
Molecular consequence: frameshift variant.
Genome position (GRCh38, 1-based): chr14:96,847,332-96,847,335, AAAA deleted; deleting any 4 consecutive bases within chr14:96,847,331-96,847,335 gives the same sequence; the c. name uses the placement nearest the transcript's 3' end. VCF-style (leftmost placement, unchanged base first): chr14-96847330-CAAAA-C. GRCh37 (hg19) VCF-style: chr14-97313667-CAAAA-C.
Other names: short protein forms K121fs.
Identifiers: ClinVar variation 644618 (VCV000644618.14), dbSNP rs772146380, ClinGen allele CA7338941.

ClinVar aggregate classification (germline): Pathogenic/Likely pathogenic. Review status: criteria provided, multiple submitters, no conflicts (2 of 4 stars). 4 submissions from 4 submitters: Pathogenic (2); Likely pathogenic (2). Last evaluated 2025-12-23.

Conditions:
Pontocerebellar hypoplasia type 1A (PCH1A). Also called: PONTOCEREBELLAR HYPOPLASIA WITH ANTERIOR HORN CELL DISEASE; PONTOCEREBELLAR HYPOPLASIA WITH INFANTILE SPINAL MUSCULAR ATROPHY. Identifiers: Orphanet 2254, Orphanet 88616, MedGen C1843504, MONDO:0011866, OMIM 607596.

Submissions (4):

Myriad Genetics, Inc.
Classification: Pathogenic for Pontocerebellar hypoplasia type 1A. Last evaluated: 2025-12-23. Review status: criteria provided, single submitter. Criteria: Myriad Autosomal Dominant, Autosomal Recessive and X-Linked Classification Criteria (2023). Collection method: clinical testing. Allele origin: unknown.
Comment: NM_003384.2(VRK1):c.362_365delAAAA(K121Mfs*8) is a frameshift variant classified as pathogenic in the context of pontocerebellar hypoplasia, VRK1-related. K121Mfs*8 has not been observed in cases with relevant disease. Relevant functional assessments of this variant are not available in the literature. K121Mfs*8 has not been observed in referenced population frequency databases. In summary, NM_003384.2(VRK1):c.362_365delAAAA(K121Mfs*8) is a frameshift variant in a gene where loss of function is a known mechanism of disease and is predicted to disrupt protein function. Please note: this variant was assessed in the context of healthy population screening.

Natera, Inc.
Classification: Likely pathogenic for Pontocerebellar hypoplasia, type 1a. Last evaluated: 2025-10-12. Review status: criteria provided, single submitter. Criteria: Natera Variant Classification Schema (03/2026). Collection method: clinical testing. Allele origin: germline.
Comment: The c.362_365delAAAA variant in VRK1 is a frameshift variant predicted to shift the reading frame beginning at codon 121 and leads to a stop codon 8 codons downstream. This variant is expected to result in nonsense mediated decay, truncation, or a dysfunctional protein product. This variant is rare in the general population with a frequency below the threshold expected for the associated phenotype(s). Given the available evidence, this variant is classified as Likely Pathogenic.

Labcorp Genetics (formerly Invitae), Labcorp
Classification: Pathogenic for Pontocerebellar hypoplasia type 1A. Last evaluated: 2024-09-21. Review status: criteria provided, single submitter. Criteria: Invitae Variant Classification Sherloc (09022015). Collection method: clinical testing. Allele origin: germline.
Comment: This sequence change creates a premature translational stop signal (p.Lys121Metfs*8) in the VRK1 gene. It is expected to result in an absent or disrupted protein product. Loss-of-function variants in VRK1 are known to be pathogenic (PMID: 19646678, 24126608, 27281532). This variant is present in population databases (rs772146380, gnomAD 0.002%). This variant has not been reported in the literature in individuals affected with VRK1-related conditions. ClinVar contains an entry for this variant (Variation ID: 644618). For these reasons, this variant has been classified as Pathogenic.

Revvity Omics, Revvity
Classification: Likely pathogenic. Last evaluated: 2021-11-24. Review status: criteria provided, single submitter. Criteria: ACMG Guidelines, 2015. Collection method: clinical testing. Allele origin: germline.

Literature cited by the submitters: PubMed 19646678 (cited by Labcorp Genetics (formerly Invitae), Labcorp); PubMed 24126608 (cited by Labcorp Genetics (formerly Invitae), Labcorp); PubMed 27281532 (cited by Labcorp Genetics (formerly Invitae), Labcorp).